The following is an entry in ClinVar:

ClinVar aggregate classification (germline): Likely pathogenic (1 of 4 stars; one submission).

Conditions:
Usher syndrome type 2A. Also called: RETINAL DISEASE IN USHER SYNDROME TYPE IIA, MODIFIER OF; USHER SYNDROME, TYPE IIA. Identifiers: Orphanet 231178, Orphanet 886, MedGen C1848634, MONDO:0010169, OMIM 276901.

Submission:

Natera, Inc.
Classification: Likely pathogenic for Usher syndrome type 2A. Last evaluated: 2026-01-26. Review status: criteria provided, single submitter. Criteria: Natera Variant Classification Schema (03/2026). Collection method: clinical testing. Allele origin: germline.
Comment: The c.3795dup variant in USH2A is a frameshift variant predicted to shift the reading frame beginning at codon 1266 and leads to a stop codon 12 codons downstream. This variant is expected to result in nonsense mediated decay, truncation, or a dysfunctional protein product. This variant is rare in the general population with a frequency below the threshold expected for the associated phenotype(s). Given the available evidence, this variant is classified as Likely Pathogenic.

NM_206933.4(USH2A):c.3795dup (p.Pro1266fs)

Genes: USH2A (usherin; minus strand), USH2A-AS1 (USH2A antisense RNA 1; plus strand). Cytogenetic location: 1q41.
Variant type: Duplication.
Coding change: c.3795dup on transcript NM_206933.4 (MANE Select); coding-DNA position 3795, one base duplicated (A; older notation c.3795dupA).
Protein change: p.Pro1266fs; shifts the reading frame from proline 1266.
Molecular consequence: frameshift variant.
Genome position (GRCh38, 1-based): chr1:216,199,643, T duplicated on the plus strand (A on the coding strand, the reverse complement: USH2A is on the minus strand). VCF-style (leftmost placement, unchanged base first): chr1-216199642-G-GT. GRCh37 (hg19) VCF-style: chr1-216372984-G-GT.
Other names: c.3795dup, p.Pro1266fs (NM_007123.6); short protein forms P1266fs.
Identifiers: ClinVar variation 4817116 (VCV004817116.1).